The following is an entry in ClinVar:

ClinVar aggregate classification (germline): Pathogenic (1 of 4 stars; one submission).

Submission:

Labcorp Genetics (formerly Invitae), Labcorp
Classification: Pathogenic. Last evaluated: 2025-01-15. Review status: criteria provided, single submitter. Criteria: Invitae Variant Classification Sherloc (09022015). Collection method: clinical testing. Allele origin: germline.
Comment: This sequence change affects a donor splice site in intron 55 of the CDH23 gene. It is expected to disrupt RNA splicing. Variants that disrupt the donor or acceptor splice site typically lead to a loss of protein function (PMID: 16199547), and loss-of-function variants in CDH23 are known to be pathogenic (PMID: 11138009, 21940737). This variant is not present in population databases (gnomAD no frequency). Disruption of this splice site has been observed in individual(s) with childhood-onset deafness (PMID: 34837038). It has also been observed to segregate with disease in related individuals. ClinVar contains an entry for this variant (Variation ID: 1514523). Algorithms developed to predict the effect of sequence changes on RNA splicing suggest that this variant may disrupt the consensus splice site. For these reasons, this variant has been classified as Pathogenic.

Literature cited by the submitters: PubMed 16199547; PubMed 11138009; PubMed 21940737; PubMed 34837038.

NM_022124.6(CDH23):c.7872+2T>C

Gene: CDH23 (cadherin related 23; plus strand). Cytogenetic location: 10q22.1.
Variant type: single nucleotide variant.
Coding change: c.7872+2T>C on transcript NM_022124.6 (MANE Select); the canonical splice donor site of the intron after coding-DNA position 7872, T replaced by C.
Molecular consequence: splice donor variant.
Genome position (GRCh38, 1-based): chr10:71,803,422, T>C. VCF-style: chr10-71803422-T-C. GRCh37 (hg19) VCF-style: chr10-73563179-T-C.
Other names: c.1152+2T>C (NM_001171933.1, NM_001171934.1).
Identifiers: ClinVar variation 1514523 (VCV001514523.8), dbSNP rs766906353, ClinGen allele CA377161761.